The following is an entry in ClinVar:

ClinVar aggregate classification (germline): Pathogenic (1 of 4 stars; one submission).

Conditions:
Cardiovascular phenotype. Identifiers: MedGen CN230736.

Submission:

Ambry Genetics
Classification: Pathogenic for Cardiovascular phenotype. Last evaluated: 2020-03-30. Review status: criteria provided, single submitter. Criteria: Ambry Variant Classification Scheme 2023. Collection method: clinical testing. Allele origin: germline.
Comment: The c.3528_3529delTG variant, located in coding exon 8 of the ALMS1 gene, results from a deletion of two nucleotides at nucleotide positions 3528 to 3529, causing a translational frameshift with a predicted alternate stop codon (p.G1177Tfs*3). This alteration is expected to result in loss of function by premature protein truncation or nonsense-mediated mRNA decay. As such, this alteration is interpreted as a disease-causing mutation.

NM_001378454.1(ALMS1):c.3525_3526del (p.Gly1176fs)

Gene: ALMS1 (ALMS1 centrosome and basal body associated protein; plus strand). Cytogenetic location: 2p13.1.
Variant type: Deletion.
Coding change: c.3525_3526del on transcript NM_001378454.1 (MANE Select); coding-DNA positions 3525 to 3526, 2 bases deleted (TG; older notation c.3525_3526delTG).
Protein change: p.Gly1176fs; shifts the reading frame from glycine 1176.
Molecular consequence: frameshift variant.
Genome position (GRCh38, 1-based): chr2:73,450,052-73,450,053, TG deleted. VCF-style (leftmost placement, unchanged base first): chr2-73450051-CTG-C. GRCh37 (hg19) VCF-style: chr2-73677178-CTG-C.
Other names: c.3528_3529del, p.Gly1177fs (NM_015120.4); c.3528_3529delTG (NM_015120.4); short protein forms G1177fs, G1176fs.
Identifiers: ClinVar variation 1732315 (VCV001732315.2), dbSNP rs2466098540, ClinGen allele CA2580067919.